The following is an entry in ClinVar:

ClinVar aggregate classification (germline): Uncertain significance (1 of 4 stars; one submission).

Conditions:
Isolated neonatal sclerosing cholangitis (NSC). Also called: Sclerosing cholangitis, neonatal. Identifiers: Orphanet 480556, MedGen C4479344, MONDO:0018816, OMIM 617394.
Autosomal recessive nonsyndromic hearing loss 66 (DFNB66). Also called: Deafness, autosomal recessive 66. Identifiers: Orphanet 90636, MedGen C1857750, MONDO:0012442, OMIM 610212.

Submission:

Labcorp Genetics (formerly Invitae), Labcorp
Classification: Uncertain significance for Autosomal recessive nonsyndromic hearing loss 66; Isolated neonatal sclerosing cholangitis. Last evaluated: 2025-06-12. Review status: criteria provided, single submitter. Criteria: Invitae Variant Classification Sherloc (09022015). Collection method: clinical testing. Allele origin: germline.
Comment: This sequence change replaces serine, which is neutral and polar, with phenylalanine, which is neutral and non-polar, at codon 8 of the DCDC2 protein (p.Ser8Phe). This variant is not present in population databases (gnomAD no frequency). This variant has not been reported in the literature in individuals affected with DCDC2-related conditions. ClinVar contains an entry for this variant (Variation ID: 2071413). An algorithm developed to predict the effect of missense changes on protein structure and function (PolyPhen-2) suggests that this variant is likely to be tolerated. In summary, the available evidence is currently insufficient to determine the role of this variant in disease. Therefore, it has been classified as a Variant of Uncertain Significance.

NM_016356.5(DCDC2):c.23C>T (p.Ser8Phe)

Genes: DCDC2 (doublecortin domain containing 2; minus strand), KAAG1 (kidney associated DCDC2 antisense RNA 1; plus strand). Cytogenetic location: 6p22.3.
Variant type: single nucleotide variant.
Coding change: c.23C>T on transcript NM_016356.5 (MANE Select); coding-DNA position 23, C replaced by T.
Protein change: p.Ser8Phe; replaces serine 8 with phenylalanine.
Molecular consequence: missense variant. On other transcripts: non-coding transcript variant (1).
Genome position (GRCh38, 1-based): chr6:24,357,728, G>A on the plus strand (C>T on the coding strand, the complement: DCDC2 is on the minus strand). VCF-style: chr6-24357728-G-A. GRCh37 (hg19) VCF-style: chr6-24357956-G-A.
Other names: c.23C>T, p.Ser8Phe (NM_001195610.2); short protein forms S8F.
Identifiers: ClinVar variation 2071413 (VCV002071413.4), dbSNP rs1561787463, ClinGen allele CA363279503.